The following is an entry in ClinVar:

NM_001042424.3(NSD2):c.77A>C (p.Glu26Ala)

Gene: NSD2 (nuclear receptor binding SET domain protein 2; plus strand). Cytogenetic location: 4p16.3.
Variant type: single nucleotide variant.
Coding change: c.77A>C on transcript NM_001042424.3 (MANE Select); coding-DNA position 77, A replaced by C.
Protein change: p.Glu26Ala; replaces glutamic acid 26 with alanine.
Molecular consequence: missense variant.
Genome position (GRCh38, 1-based): chr4:1,900,731, A>C. VCF-style: chr4-1900731-A-C. GRCh37 (hg19) VCF-style: chr4-1902458-A-C.
Other names: c.77A>C, p.Glu26Ala (NM_007331.2, NM_133330.3, NM_133331.3 and 2 more transcripts); short protein forms E26A.
Identifiers: ClinVar variation 1706216 (VCV001706216.2), dbSNP rs2474215642, ClinGen allele CA355989422.

ClinVar aggregate classification (germline): Uncertain significance (1 of 4 stars; one submission).

Submission:

GeneDx
Classification: Uncertain significance. Last evaluated: 2022-03-17. Review status: criteria provided, single submitter. Criteria: GeneDx Variant Classification Process June 2021. Collection method: clinical testing. Allele origin: germline. Affected: yes.
Comment: Not observed at significant frequency in large population cohorts (gnomAD); In silico analysis supports that this missense variant has a deleterious effect on protein structure/function; Has not been previously published as pathogenic or benign to our knowledge